The following is an entry in ClinVar:

ClinVar aggregate classification (germline): Uncertain significance (1 of 4 stars; one submission).

Conditions:
Autosomal recessive limb-girdle muscular dystrophy type 2L (LGMDR12). Also called: Limb-girdle muscular dystrophy, type 2L; MUSCULAR DYSTROPHY, LIMB-GIRDLE, AUTOSOMAL RECESSIVE 12; Limb-Girdle Muscular Dystrophy R12 Anoctamin-5-Related (LGMD-R12). Identifiers: Orphanet 206549, MedGen C1969785, MONDO:0012652, OMIM 611307.
Gnathodiaphyseal dysplasia (GDD). Also called: GNATHODIAPHYSEAL SCLEROSIS; OSTEOGENESIS IMPERFECTA WITH UNUSUAL SKELETAL LESIONS. Identifiers: Orphanet 53697, MedGen C1833736, MONDO:0008151, OMIM 166260.

Allele frequency attached by ClinVar (database versions not stated): gnomAD exomes 0.00002.
gnomAD v4.1: 26 of 1,612,238 alleles (0.0016%); highest among the groups gnomAD compares: East Asian, 0.042%; no homozygotes.

Submission:

Labcorp Genetics (formerly Invitae), Labcorp
Classification: Uncertain significance for Autosomal recessive limb-girdle muscular dystrophy type 2L; Gnathodiaphyseal dysplasia. Last evaluated: 2023-01-24. Review status: criteria provided, single submitter. Criteria: Invitae Variant Classification Sherloc (09022015). Collection method: clinical testing. Allele origin: germline.
Comment: This variant is not present in population databases (gnomAD no frequency). In summary, the available evidence is currently insufficient to determine the role of this variant in disease. Therefore, it has been classified as a Variant of Uncertain Significance. Algorithms developed to predict the effect of sequence changes on RNA splicing suggest that this variant may create or strengthen a splice site. Advanced modeling of protein sequence and biophysical properties (such as structural, functional, and spatial information, amino acid conservation, physicochemical variation, residue mobility, and thermodynamic stability) performed at Invitae indicates that this missense variant is not expected to disrupt ANO5 protein function. ClinVar contains an entry for this variant (Variation ID: 964567). This variant has not been reported in the literature in individuals affected with ANO5-related conditions. This sequence change replaces arginine, which is basic and polar, with glycine, which is neutral and non-polar, at codon 35 of the ANO5 protein (p.Arg35Gly).

NM_213599.3(ANO5):c.103A>G (p.Arg35Gly)

Gene: ANO5 (anoctamin 5; plus strand). Cytogenetic location: 11p14.3.
Variant type: single nucleotide variant.
Coding change: c.103A>G on transcript NM_213599.3 (MANE Select); coding-DNA position 103, A replaced by G.
Protein change: p.Arg35Gly; replaces arginine 35 with glycine.
Molecular consequence: missense variant.
Genome position (GRCh38, 1-based): chr11:22,211,279, A>G. VCF-style: chr11-22211279-A-G. GRCh37 (hg19) VCF-style: chr11-22232825-A-G.
Other names: c.100A>G, p.Arg34Gly (NM_001142649.2); short protein forms R35G, R34G.
Identifiers: ClinVar variation 964567 (VCV000964567.10), dbSNP rs1852267355, ClinGen allele CA379923606.
Genomic context (GRCh38, chr11:22,211,279, plus strand): 5'-CTGCACTATTAATAATAGCATTATATCTTCCCCTGGTACTGTTAGCAGAGCCTGAGCAGC[A>G]GAGAGACCAGCTTTCTCATCAATGAAGAAACAATGGTAAGCAGCGACCAGTACTATCCTT-3'
Protein context (NP_998764.1, residues 25-45): FQMSEQSLSS[Arg35Gly]ETSFLINEET